The following is an entry in ClinVar:

NM_005732.4(RAD50):c.3064C>T (p.Leu1022Phe)

Gene: RAD50 (RAD50 double strand break repair protein; plus strand). Cytogenetic location: 5q31.1.
Variant type: single nucleotide variant.
Coding change: c.3064C>T on transcript NM_005732.4 (MANE Select); coding-DNA position 3064, C replaced by T.
Protein change: p.Leu1022Phe; replaces leucine 1022 with phenylalanine.
Molecular consequence: missense variant.
Genome position (GRCh38, 1-based): chr5:132,616,030, C>T. VCF-style: chr5-132616030-C-T. GRCh37 (hg19) VCF-style: chr5-131951722-C-T.
Other names: c.3064C>T (NM_005732.3); short protein forms L1022F.
Identifiers: ClinVar variation 2728333 (VCV002728333.4), dbSNP rs2479384298, ClinGen allele CA360963486.

ClinVar aggregate classification (germline): Uncertain significance. Review status: criteria provided, multiple submitters, no conflicts (2 of 4 stars). 2 submissions from 2 submitters: Uncertain significance (2). Last evaluated 2025-09-07.

Conditions:
Hereditary cancer-predisposing syndrome. Also called: Hereditary Cancer Syndrome; Tumor predisposition; Neoplastic Syndromes, Hereditary; Hereditary neoplastic syndrome. Identifiers: Orphanet 140162, MedGen C0027672, MeSH D009386, MONDO:0015356.

gnomAD v4.1: 1 of 1,596,548 alleles (0.000063%); highest among the groups gnomAD compares: African/African-American, 0.0013%; no homozygotes.

Submissions (2):

Ambry Genetics
Classification: Uncertain significance for Hereditary cancer-predisposing syndrome. Last evaluated: 2025-09-07. Review status: criteria provided, single submitter. Criteria: Ambry Variant Classification Scheme 2023. Collection method: clinical testing. Allele origin: germline.
Comment: The p.L1022F variant (also known as c.3064C>T), located in coding exon 20 of the RAD50 gene, results from a C to T substitution at nucleotide position 3064. The leucine at codon 1022 is replaced by phenylalanine, an amino acid with highly similar properties. This amino acid position is conserved. In addition, the in silico prediction for this alteration is inconclusive. Based on the available evidence, the clinical significance of this variant remains unclear.

Labcorp Genetics (formerly Invitae), Labcorp
Classification: Uncertain significance for Hereditary cancer-predisposing syndrome. Last evaluated: 2023-06-25. Review status: criteria provided, single submitter. Criteria: Invitae Variant Classification Sherloc (09022015). Collection method: clinical testing. Allele origin: germline.
Comment: In summary, the available evidence is currently insufficient to determine the role of this variant in disease. Therefore, it has been classified as a Variant of Uncertain Significance. This sequence change replaces leucine, which is neutral and non-polar, with phenylalanine, which is neutral and non-polar, at codon 1022 of the RAD50 protein (p.Leu1022Phe). This variant is not present in population databases (gnomAD no frequency). This variant has not been reported in the literature in individuals affected with RAD50-related conditions. Advanced modeling of protein sequence and biophysical properties (such as structural, functional, and spatial information, amino acid conservation, physicochemical variation, residue mobility, and thermodynamic stability) performed at Invitae indicates that this missense variant is expected to disrupt RAD50 protein function.